The following is an entry in ClinVar:

NM_000222.3(KIT):c.2107T>C (p.Tyr703His)

Gene: KIT (KIT proto-oncogene, receptor tyrosine kinase; plus strand). Cytogenetic location: 4q12.
Variant type: single nucleotide variant.
Coding change: c.2107T>C on transcript NM_000222.3 (MANE Select); coding-DNA position 2107, T replaced by C.
Protein change: p.Tyr703His; replaces tyrosine 703 with histidine.
Molecular consequence: missense variant.
Genome position (GRCh38, 1-based): chr4:54,729,451, T>C. VCF-style: chr4-54729451-T-C. GRCh37 (hg19) VCF-style: chr4-55595617-T-C.
Other names: c.2095T>C, p.Tyr699His (NM_001093772.2, NM_001385286.1); c.2110T>C, p.Tyr704His (NM_001385284.1, NM_001385290.1); c.2107T>C, p.Tyr703His (NM_001385285.1); c.2098T>C, p.Tyr700His (NM_001385288.1, NM_001385292.1); short protein forms Y703H, Y699H, Y700H, Y704H.
Identifiers: ClinVar variation 458904 (VCV000458904.17), dbSNP rs746990067, ClinGen allele CA2923648.

ClinVar aggregate classification (germline): Conflicting classifications of pathogenicity. Review status: criteria provided, conflicting classifications (1 of 4 stars). 5 submissions from 5 submitters: Uncertain significance (4); Likely benign (1). Last evaluated 2026-05-29.

Conditions:
Gastrointestinal stromal tumor. Also called: Gastrointestinal stroma tumor; Gastrointestinal stromal tumor, somatic. Identifiers: Orphanet 44890, MedGen C0238198, MeSH D046152, MONDO:0011719, OMIM 606764, HP:0100723.
Hereditary cancer-predisposing syndrome. Also called: Tumor predisposition; Hereditary neoplastic syndrome; Neoplastic Syndromes, Hereditary; Hereditary Cancer Syndrome. Identifiers: Orphanet 140162, MedGen C0027672, MeSH D009386, MONDO:0015356.

Allele frequency attached by ClinVar (database versions not stated): gnomAD 0.00001; TOPMed 0.00001; ExAC 0.00002.
gnomAD v4.1: 37 of 1,613,570 alleles (0.0023%); highest among the groups gnomAD compares: Non-Finnish European, 0.0029%; no homozygotes.

Submissions (5):

Myriad Genetics, Inc.
Classification: Likely benign for Gastrointestinal stromal tumor. Last evaluated: 2026-05-29. Review status: criteria provided, single submitter. Criteria: Myriad Autosomal Dominant, Autosomal Recessive and X-Linked Classification Criteria (2023). Collection method: clinical testing. Allele origin: unknown.
Comment: This variant is considered likely benign. This variant has been observed at a population frequency that is significantly greater than expected given the associated disease prevalence and penetrance.

Labcorp Genetics (formerly Invitae), Labcorp
Classification: Uncertain significance for Gastrointestinal stromal tumor. Last evaluated: 2025-10-07. Review status: criteria provided, single submitter. Criteria: Invitae Variant Classification Sherloc (09022015). Collection method: clinical testing. Allele origin: germline.
Comment: This sequence change replaces tyrosine, which is neutral and polar, with histidine, which is basic and polar, at codon 703 of the KIT protein (p.Tyr703His). This variant is present in population databases (rs746990067, gnomAD 0.004%). This variant has not been reported in the literature in individuals affected with KIT-related conditions. ClinVar contains an entry for this variant (Variation ID: 458904). An algorithm developed to predict the effect of missense changes on protein structure and function (PolyPhen-2) suggests that this variant is likely to be disruptive. In summary, the available evidence is currently insufficient to determine the role of this variant in disease. Therefore, it has been classified as a Variant of Uncertain Significance.

Ambry Genetics
Classification: Uncertain significance for Hereditary cancer-predisposing syndrome. Last evaluated: 2024-12-18. Review status: criteria provided, single submitter. Criteria: Ambry Variant Classification Scheme 2023. Collection method: clinical testing. Allele origin: germline.
Comment: The p.Y703H variant (also known as c.2107T>C), located in coding exon 14 of the KIT gene, results from a T to C substitution at nucleotide position 2107. The tyrosine at codon 703 is replaced by histidine, an amino acid with similar properties. This amino acid position is conserved. In addition, the in silico prediction for this alteration is inconclusive. Since supporting evidence is limited at this time, the clinical significance of this alteration remains unclear.

Baylor Genetics
Classification: Uncertain significance for Gastrointestinal stromal tumor. Last evaluated: 2024-02-05. Review status: criteria provided, single submitter. Criteria: ACMG Guidelines, 2015. Collection method: clinical testing. Allele origin: unknown.

Breakthrough Genomics
Classification: Uncertain significance. Review status: criteria provided, single submitter. Criteria: ACMG Guidelines, 2015. Collection method: not provided. Allele origin: germline. Inheritance: Autosomal dominant inheritance. Affected: yes.